The following is an entry in ClinVar:

ClinVar aggregate classification (germline): Uncertain significance. Review status: criteria provided, multiple submitters, no conflicts (2 of 4 stars). 4 submissions from 3 submitters: Uncertain significance (4). Last evaluated 2024-11-18.

Conditions:
Asphyxiating thoracic dystrophy 5 (SRTD5). Also called: SHORT-RIB THORACIC DYSPLASIA 5 WITH OR WITHOUT POLYDACTYLY; SHORT-RIB THORACIC DYSPLASIA 5 WITHOUT POLYDACTYLY. Identifiers: Orphanet 474, MedGen C3280598, MONDO:0013717, OMIM 614376.
Senior-Loken syndrome 8 (SLSN8). Identifiers: Orphanet 3156, MedGen C4225376, MONDO:0014579, OMIM 616307.
Cranioectodermal dysplasia 4 (CED4). Identifiers: Orphanet 1515, MedGen C3280616, MONDO:0013719, OMIM 614378.

Allele frequency attached by ClinVar (database versions not stated): ExAC 0.00001; gnomAD exomes 0.00002.

Submissions (4):

Labcorp Genetics (formerly Invitae), Labcorp
Classification: Uncertain significance for Senior-Loken syndrome 8; Asphyxiating thoracic dystrophy 5. Last evaluated: 2024-11-18. Review status: criteria provided, single submitter. Criteria: Invitae Variant Classification Sherloc (09022015). Collection method: clinical testing. Allele origin: germline.
Comment: This sequence change replaces arginine, which is basic and polar, with histidine, which is basic and polar, at codon 43 of the WDR19 protein (p.Arg43His). The frequency data for this variant in the population databases is considered unreliable, as metrics indicate poor data quality at this position in the gnomAD database. This variant has not been reported in the literature in individuals affected with WDR19-related conditions. ClinVar contains an entry for this variant (Variation ID: 902352). Invitae Evidence Modeling of protein sequence and biophysical properties (such as structural, functional, and spatial information, amino acid conservation, physicochemical variation, residue mobility, and thermodynamic stability) has been performed for this missense variant. However, the output from this modeling did not meet the statistical confidence thresholds required to predict the impact of this variant on WDR19 protein function. In summary, the available evidence is currently insufficient to determine the role of this variant in disease. Therefore, it has been classified as a Variant of Uncertain Significance.

Blueprint Genetics
Classification: Uncertain significance. Last evaluated: 2021-10-18. Review status: criteria provided, single submitter. Criteria: ACMG Guidelines, 2015. Collection method: clinical testing. Allele origin: germline.

Illumina Laboratory Services, Illumina
Classification: Uncertain significance for Asphyxiating thoracic dystrophy 5. Last evaluated: 2018-01-12. Review status: criteria provided, single submitter. Criteria: ICSL Variant Classification Criteria 13 December 2019. Collection method: clinical testing. Allele origin: germline.

Illumina Laboratory Services, Illumina
Classification: Uncertain significance for Cranioectodermal dysplasia 4. Last evaluated: 2018-01-12. Review status: criteria provided, single submitter. Criteria: ICSL Variant Classification Criteria 13 December 2019. Collection method: clinical testing. Allele origin: germline.

NM_025132.4(WDR19):c.128G>A (p.Arg43His)

Gene: WDR19 (WD repeat domain 19; plus strand). Cytogenetic location: 4p14.
Variant type: single nucleotide variant.
Coding change: c.128G>A on transcript NM_025132.4 (MANE Select); coding-DNA position 128, G replaced by A.
Protein change: p.Arg43His; replaces arginine 43 with histidine.
Molecular consequence: missense variant. On other transcripts: 5 prime UTR variant (1).
Genome position (GRCh38, 1-based): chr4:39,186,568, G>A. VCF-style: chr4-39186568-G-A. GRCh37 (hg19) VCF-style: chr4-39188188-G-A.
Other names: c.-237G>A (NM_001317924.2); short protein forms R43H.
Identifiers: ClinVar variation 902352 (VCV000902352.8), dbSNP rs770312522, ClinGen allele CA2891542.